The following is an entry in ClinVar:

NM_052876.4(NACC1):c.992G>A (p.Arg331Gln)

Gene: NACC1 (nucleus accumbens associated 1; plus strand). Cytogenetic location: 19p13.13.
Variant type: single nucleotide variant.
Coding change: c.992G>A on transcript NM_052876.4 (MANE Select); coding-DNA position 992, G replaced by A.
Protein change: p.Arg331Gln; replaces arginine 331 with glutamine.
Molecular consequence: missense variant.
Genome position (GRCh38, 1-based): chr19:13,136,277, G>A. VCF-style: chr19-13136277-G-A. GRCh37 (hg19) VCF-style: chr19-13247091-G-A.
Other names: short protein forms R331Q.
Identifiers: ClinVar variation 3649992 (VCV003649992.2).

ClinVar aggregate classification (germline): Uncertain significance (1 of 4 stars; one submission).

gnomAD v4.1: 6 of 1,614,018 alleles (0.00037%); highest among the groups gnomAD compares: Admixed American, 0.0017%; no homozygotes.

Submission:

Labcorp Genetics (formerly Invitae), Labcorp
Classification: Uncertain significance. Last evaluated: 2024-04-18. Review status: criteria provided, single submitter. Criteria: Invitae Variant Classification Sherloc (09022015). Collection method: clinical testing. Allele origin: germline.
Comment: This sequence change replaces arginine, which is basic and polar, with glutamine, which is neutral and polar, at codon 331 of the NACC1 protein (p.Arg331Gln). This variant is present in population databases (rs764227570, gnomAD 0.003%). This variant has not been reported in the literature in individuals affected with NACC1-related conditions. Advanced modeling of protein sequence and biophysical properties (such as structural, functional, and spatial information, amino acid conservation, physicochemical variation, residue mobility, and thermodynamic stability) performed at Invitae indicates that this missense variant is not expected to disrupt NACC1 protein function with a negative predictive value of 80%. In summary, the available evidence is currently insufficient to determine the role of this variant in disease. Therefore, it has been classified as a Variant of Uncertain Significance.